The following is an entry in ClinVar:

NM_014391.3(ANKRD1):c.670C>T (p.His224Tyr)

Gene: ANKRD1 (ankyrin repeat domain 1; minus strand). Cytogenetic location: 10q23.31.
Variant type: single nucleotide variant.
Coding change: c.670C>T on transcript NM_014391.3 (MANE Select); coding-DNA position 670, C replaced by T.
Protein change: p.His224Tyr; replaces histidine 224 with tyrosine.
Molecular consequence: missense variant.
Genome position (GRCh38, 1-based): chr10:90,915,862, G>A on the plus strand (C>T on the coding strand, the complement: ANKRD1 is on the minus strand). VCF-style: chr10-90915862-G-A. GRCh37 (hg19) VCF-style: chr10-92675619-G-A.
Other names: short protein forms H224Y.
Identifiers: ClinVar variation 1406345 (VCV001406345.11), dbSNP rs764936194, ClinGen allele CA5598649.

ClinVar aggregate classification (germline): Uncertain significance. Review status: criteria provided, multiple submitters, no conflicts (2 of 4 stars). 2 submissions from 2 submitters: Uncertain significance (2). Last evaluated 2025-09-04.

Conditions:
ANKRD1-related dilated cardiomyopathy. Identifiers: MedGen CN119551.
Cardiovascular phenotype. Identifiers: MedGen CN230736.

Allele frequency attached by ClinVar (database versions not stated): gnomAD exomes below 0.00001; ExAC 0.00001.

Submissions (2):

Ambry Genetics
Classification: Uncertain significance for Cardiovascular phenotype. Last evaluated: 2025-09-04. Review status: criteria provided, single submitter. Criteria: Ambry Variant Classification Scheme 2023. Collection method: clinical testing. Allele origin: germline.
Comment: The p.H224Y variant (also known as c.670C>T), located in coding exon 7 of the ANKRD1 gene, results from a C to T substitution at nucleotide position 670. The histidine at codon 224 is replaced by tyrosine, an amino acid with similar properties. This variant was reported in a hypertrophic cardiomyopathy (HCM) genetic testing cohort; however, clinical details are limited (Walsh R et al. Genet Med, 2017 02;19:192-203). This amino acid position is highly conserved in available vertebrate species. In addition, this alteration is predicted to be deleterious by in silico analysis. Since supporting evidence is limited at this time, the clinical significance of this alteration remains unclear.

Labcorp Genetics (formerly Invitae), Labcorp
Classification: Uncertain significance for ANKRD1-related dilated cardiomyopathy. Last evaluated: 2024-11-11. Review status: criteria provided, single submitter. Criteria: Invitae Variant Classification Sherloc (09022015). Collection method: clinical testing. Allele origin: germline.
Comment: This sequence change replaces histidine, which is basic and polar, with tyrosine, which is neutral and polar, at codon 224 of the ANKRD1 protein (p.His224Tyr). The frequency data for this variant in the population databases is considered unreliable, as metrics indicate poor data quality at this position in the gnomAD database. This missense change has been observed in individual(s) with hypertrophic cardiomyopathy (PMID: 27532257). ClinVar contains an entry for this variant (Variation ID: 1406345). Invitae Evidence Modeling of protein sequence and biophysical properties (such as structural, functional, and spatial information, amino acid conservation, physicochemical variation, residue mobility, and thermodynamic stability) has been performed for this missense variant. However, the output from this modeling did not meet the statistical confidence thresholds required to predict the impact of this variant on ANKRD1 protein function. In summary, the available evidence is currently insufficient to determine the role of this variant in disease. Therefore, it has been classified as a Variant of Uncertain Significance.

Literature cited by the submitters: PubMed 27532257 (cited by Ambry Genetics and Labcorp Genetics (formerly Invitae), Labcorp).